The following is an entry in ClinVar:

ClinVar aggregate classification (germline): Uncertain significance. Review status: criteria provided, multiple submitters, no conflicts (2 of 4 stars). 2 submissions from 2 submitters: Uncertain significance (2). Last evaluated 2024-12-23.

Allele frequency attached by ClinVar (database versions not stated): gnomAD exomes below 0.00001; TOPMed 0.00002; ESP Exome Variant Server 0.00008.
gnomAD v4.1: 3 of 1,612,810 alleles (0.00019%); highest among the groups gnomAD compares: Non-Finnish European, 0.00025%; no homozygotes.

Submissions (2):

Labcorp Genetics (formerly Invitae), Labcorp
Classification: Uncertain significance. Last evaluated: 2024-12-23. Review status: criteria provided, single submitter. Criteria: Invitae Variant Classification Sherloc (09022015). Collection method: clinical testing. Allele origin: germline.
Comment: This sequence change replaces glycine, which is neutral and non-polar, with valine, which is neutral and non-polar, at codon 1629 of the COL11A1 protein (p.Gly1629Val). This variant is not present in population databases (gnomAD no frequency). This variant has not been reported in the literature in individuals affected with COL11A1-related conditions. ClinVar contains an entry for this variant (Variation ID: 1193496). Invitae Evidence Modeling of protein sequence and biophysical properties (such as structural, functional, and spatial information, amino acid conservation, physicochemical variation, residue mobility, and thermodynamic stability) indicates that this missense variant is expected to disrupt COL11A1 protein function with a positive predictive value of 80%. In summary, the available evidence is currently insufficient to determine the role of this variant in disease. Therefore, it has been classified as a Variant of Uncertain Significance.

GeneDx
Classification: Uncertain significance. Last evaluated: 2019-07-05. Review status: criteria provided, single submitter. Criteria: GeneDx Variant Classification Process June 2021. Collection method: clinical testing. Allele origin: germline. Affected: yes.
Comment: Has not been previously published as pathogenic or benign to our knowledge; Not observed in large population cohorts (Lek et al., 2016); In silico analysis, which includes protein predictors and evolutionary conservation, supports a deleterious effect; Not located in the triple helical region, where the majority of pathogenic missense variants occur (Stenson et al., 2014)

NM_001854.4(COL11A1):c.4886G>T (p.Gly1629Val)

Gene: COL11A1 (collagen type XI alpha 1 chain; minus strand). Cytogenetic location: 1p21.1.
Variant type: single nucleotide variant.
Coding change: c.4886G>T on transcript NM_001854.4 (MANE Select); coding-DNA position 4886, G replaced by T.
Protein change: p.Gly1629Val; replaces glycine 1629 with valine.
Molecular consequence: missense variant. On other transcripts: non-coding transcript variant (1).
Genome position (GRCh38, 1-based): chr1:102,883,284, C>A on the plus strand (G>T on the coding strand, the complement: COL11A1 is on the minus strand). VCF-style: chr1-102883284-C-A. GRCh37 (hg19) VCF-style: chr1-103348840-C-A.
Other names: c.4769G>T, p.Gly1590Val (NM_001190709.2); c.4922G>T, p.Gly1641Val (NM_080629.3); c.4538G>T, p.Gly1513Val (NM_080630.4); short protein forms G1513V, G1590V, G1629V, G1641V.
Identifiers: ClinVar variation 1193496 (VCV001193496.8), dbSNP rs372504909, ClinGen allele CA28151175.